The following is an entry in ClinVar:

NM_004380.3(CREBBP):c.2992A>G (p.Lys998Glu)

Gene: CREBBP (CREB binding lysine acetyltransferase; minus strand). Cytogenetic location: 16p13.3.
Variant type: single nucleotide variant.
Coding change: c.2992A>G on transcript NM_004380.3 (MANE Select); coding-DNA position 2992, A replaced by G.
Protein change: p.Lys998Glu; replaces lysine 998 with glutamic acid.
Molecular consequence: missense variant.
Genome position (GRCh38, 1-based): chr16:3,769,242, T>C on the plus strand (A>G on the coding strand, the complement: CREBBP is on the minus strand). VCF-style: chr16-3769242-T-C. GRCh37 (hg19) VCF-style: chr16-3819243-T-C.
Other names: c.2878A>G, p.Lys960Glu (NM_001079846.1); short protein forms K960E, K998E.
Identifiers: ClinVar variation 1966343 (VCV001966343.5), dbSNP rs2141191098, ClinGen allele CA394549710.

ClinVar aggregate classification (germline): Uncertain significance (1 of 4 stars; one submission).

Conditions:
Rubinstein-Taybi syndrome (RSTS). Identifiers: Orphanet 783, MedGen C0035934, MONDO:0019188.

Submission:

Labcorp Genetics (formerly Invitae), Labcorp
Classification: Uncertain significance for Rubinstein-Taybi syndrome. Last evaluated: 2023-08-19. Review status: criteria provided, single submitter. Criteria: Invitae Variant Classification Sherloc (09022015). Collection method: clinical testing. Allele origin: germline.
Comment: This variant is not present in population databases (gnomAD no frequency). This sequence change replaces lysine, which is basic and polar, with glutamic acid, which is acidic and polar, at codon 998 of the CREBBP protein (p.Lys998Glu). This variant has not been reported in the literature in individuals affected with CREBBP-related conditions. ClinVar contains an entry for this variant (Variation ID: 1966343). In summary, the available evidence is currently insufficient to determine the role of this variant in disease. Therefore, it has been classified as a Variant of Uncertain Significance. Advanced modeling of protein sequence and biophysical properties (such as structural, functional, and spatial information, amino acid conservation, physicochemical variation, residue mobility, and thermodynamic stability) has been performed at Invitae for this missense variant, however the output from this modeling did not meet the statistical confidence thresholds required to predict the impact of this variant on CREBBP protein function.